The following is an entry in ClinVar:

ClinVar aggregate classification (germline): Likely pathogenic (1 of 4 stars; one submission).

Conditions:
Achondrogenesis, type IB (ACG1B). Also called: Achondrogenesis Type 1B. Identifiers: Orphanet 932, Orphanet 93298, MedGen C0265274, MONDO:0010966, OMIM 600972.

Submission:

Natera, Inc.
Classification: Likely pathogenic for Achondrogenesis type IB. Last evaluated: 2024-10-16. Review status: criteria provided, single submitter. Criteria: Natera Variant Classification Schema (03/2026). Collection method: clinical testing. Allele origin: germline.
Comment: The c.2119del variant in SLC26A2 is a frameshift variant predicted to shift the reading frame beginning at codon 707 and leads to a stop codon 28 codons downstream. This variant is expected to result in nonsense mediated decay, truncation, or a dysfunctional protein product. This variant is rare in the general population with a frequency below the threshold expected for the associated phenotype(s). Given the available evidence, this variant is classified as Likely Pathogenic.

NM_000112.4(SLC26A2):c.2119del (p.Leu707fs)

Gene: SLC26A2 (solute carrier family 26 member 2; plus strand). Cytogenetic location: 5q32.
Variant type: Deletion.
Coding change: c.2119del on transcript NM_000112.4 (MANE Select); coding-DNA position 2119, one base deleted (C; older notation c.2119delC).
Protein change: p.Leu707fs; shifts the reading frame from leucine 707.
Molecular consequence: frameshift variant.
Genome position (GRCh38, 1-based): chr5:149,981,712, C deleted; the last of 2 consecutive C bases (chr5:149,981,711-149,981,712); deleting either gives the same sequence. VCF-style (leftmost placement, unchanged base first): chr5-149981710-AC-A. GRCh37 (hg19) VCF-style: chr5-149361273-AC-A.
Other names: c.2119delC, p.Leu707Phefs (NM_000112.3); short protein forms L707fs.
Identifiers: ClinVar variation 4817462 (VCV004817462.1).